The following is an entry in ClinVar:

NM_001852.4(COL9A2):c.107G>T (p.Gly36Val)

Genes: COL9A2 (collagen type IX alpha 2 chain; minus strand), LOC129930261 (ATAC-STARR-seq lymphoblastoid silent region 724; plus strand). Cytogenetic location: 1p34.2.
Variant type: single nucleotide variant.
Coding change: c.107G>T on transcript NM_001852.4 (MANE Select); coding-DNA position 107, G replaced by T.
Protein change: p.Gly36Val; replaces glycine 36 with valine.
Molecular consequence: missense variant.
Genome position (GRCh38, 1-based): chr1:40,315,633, C>A on the plus strand (G>T on the coding strand, the complement: COL9A2 is on the minus strand). VCF-style: chr1-40315633-C-A. GRCh37 (hg19) VCF-style: chr1-40781305-C-A.
Other names: short protein forms G36V.
Identifiers: ClinVar variation 3393802 (VCV003393802.1).
Genomic context (GRCh38, chr1:40,315,633, plus strand): 5'-TCAGGTTAGAGACTTACGTCGATGCCGTCGGATCCAGGCACTCCCGGCGGTCCCGGGGGA[C>A]CCGGGGGGCCCCGCTCTCCCGGTGGACCTCTCTGAAAAACACACACGGGGTGGGGCAGTC-3'
Protein context (NP_001843.1, residues 26-46): RGPPGERGPP[Gly36Val]PPGPPGVPGS

ClinVar aggregate classification (germline): Uncertain significance (1 of 4 stars; one submission).

gnomAD v4.1: 7 of 1,553,776 alleles (0.00045%); highest among the groups gnomAD compares: Non-Finnish European, 0.00061%; no homozygotes.

Submission:

GeneDx
Classification: Uncertain significance. Last evaluated: 2024-07-03. Review status: criteria provided, single submitter. Criteria: GeneDx Variant Classification Process June 2021. Collection method: clinical testing. Allele origin: germline. Affected: yes.
Comment: Not observed at significant frequency in large population cohorts (gnomAD); In silico analysis supports that this missense variant has a deleterious effect on protein structure/function; Has not been previously published as pathogenic or benign to our knowledge